The following is an entry in ClinVar:

ClinVar aggregate classification (germline): Uncertain significance (0 of 4 stars; one submission).

Conditions:
Prostate cancer. Also called: Malignant tumor of prostate. Identifiers: Orphanet 1331, MedGen C0376358, MONDO:0008315, HP:0012125.

Submission:

Science for Life laboratory,  Karolinska Institutet
Classification: Uncertain significance for Malignant tumor of prostate. Review status: no assertion criteria provided. Collection method: not provided. Allele origin: somatic.
Comment: TumorID:SWE-7
ClinVar note: Converted during submission from Unknown to Uncertain significance.

NM_032932.6(RAB11FIP4):c.1901A>T (p.Glu634Val)

Gene: RAB11FIP4 (RAB11 family interacting protein 4; plus strand). Cytogenetic location: 17q11.2.
Variant type: single nucleotide variant.
Coding change: c.1901A>T on transcript NM_032932.6 (MANE Select); coding-DNA position 1901, A replaced by T.
Protein change: p.Glu634Val; replaces glutamic acid 634 with valine.
Molecular consequence: missense variant.
Genome position (GRCh38, 1-based): chr17:31,531,719, A>T. VCF-style: chr17-31531719-A-T. GRCh37 (hg19) VCF-style: chr17-29858737-A-T.
Other names: c.1595A>T, p.Glu532Val (NM_001303542.3); c.1400A>T, p.Glu467Val (NM_001346747.2); c.1478A>T, p.Glu493Val (NM_001346748.2); c.1121A>T, p.Glu374Val (NM_001346749.2); short protein forms E634V, E493V, E374V, E467V, E532V.
Identifiers: ClinVar variation 161785 (VCV000161785.2), dbSNP rs193921026, ClinGen allele CA174780.